The following is an entry in ClinVar:

NM_001844.5(COL2A1):c.451A>G (p.Arg151Gly)

Gene: COL2A1 (collagen type II alpha 1 chain; minus strand). Cytogenetic location: 12q13.11.
Variant type: single nucleotide variant.
Coding change: c.451A>G on transcript NM_001844.5 (MANE Select); coding-DNA position 451, A replaced by G.
Protein change: p.Arg151Gly; replaces arginine 151 with glycine.
Molecular consequence: missense variant.
Genome position (GRCh38, 1-based): chr12:47,997,686, T>C on the plus strand (A>G on the coding strand, the complement: COL2A1 is on the minus strand). VCF-style: chr12-47997686-T-C. GRCh37 (hg19) VCF-style: chr12-48391469-T-C.
Other names: c.244A>G, p.Arg82Gly (NM_033150.3); short protein forms R151G, R82G.
Identifiers: ClinVar variation 1982522 (VCV001982522.4), dbSNP rs752217760, ClinGen allele CA6535927.
Genomic context (GRCh38, chr12:47,997,686, plus strand): 5'-CAGGGGGGCCGGGAGGACCAGGGGGGCCAGGATTTCCAGGGGTCCCAGGTTCTCCATCTC[T>C]GCCACGAGGTCCAGGGGCACCCTTGGCATAAAGAGAAAAAGGCATCAATGGGAAGCAGTG-3'
Protein context (NP_001835.3, residues 141-161): GEKGAPGPRG[Arg151Gly]DGEPGTPGNP

ClinVar aggregate classification (germline): Uncertain significance (1 of 4 stars; one submission).

Allele frequency attached by ClinVar (database versions not stated): gnomAD exomes below 0.00001; ExAC 0.00001.
gnomAD v4.1: 2 of 1,614,044 alleles (0.00012%); highest among the groups gnomAD compares: South Asian, 0.0022%; no homozygotes.

Submission:

Labcorp Genetics (formerly Invitae), Labcorp
Classification: Uncertain significance. Last evaluated: 2022-11-08. Review status: criteria provided, single submitter. Criteria: Invitae Variant Classification Sherloc (09022015). Collection method: clinical testing. Allele origin: germline.
Comment: In summary, the available evidence is currently insufficient to determine the role of this variant in disease. Therefore, it has been classified as a Variant of Uncertain Significance. Advanced modeling of protein sequence and biophysical properties (such as structural, functional, and spatial information, amino acid conservation, physicochemical variation, residue mobility, and thermodynamic stability) performed at Invitae indicates that this missense variant is not expected to disrupt COL2A1 protein function. This variant has not been reported in the literature in individuals affected with COL2A1-related conditions. This variant is present in population databases (rs752217760, gnomAD 0.006%). This sequence change replaces arginine, which is basic and polar, with glycine, which is neutral and non-polar, at codon 151 of the COL2A1 protein (p.Arg151Gly).